The following is an entry in ClinVar:

ClinVar aggregate classification (germline): Benign/Likely benign. Review status: criteria provided, multiple submitters, no conflicts (2 of 4 stars). 4 submissions from 4 submitters: Benign (1); Likely benign (3). Last evaluated 2026-06-01.

Conditions:
Leber congenital amaurosis 17 (LCA17). Identifiers: Orphanet 65, MedGen C3715164, MONDO:0014145, OMIM 615360.
Klippel-Feil syndrome 1, autosomal dominant (KFS1). Also called: CERVICAL VERTEBRAL FUSION, AUTOSOMAL DOMINANT. Identifiers: Orphanet 2345, MedGen C1861689, MONDO:0007306, OMIM 118100.
Isolated microphthalmia 4. Identifiers: Orphanet 2542, MedGen C2751307, MONDO:0013130, OMIM 613094.
Microphthalmia, isolated, with coloboma 6 (MCOPCB6). Also called: Microphthalmia with coloboma 6, digenic; Microphthalmia with coloboma 6; MICROPHTHALMIA/COLOBOMA 6. Identifiers: Orphanet 98938, MedGen C3150968, MONDO:0013376, OMIM 613703.

Allele frequency attached by ClinVar (database versions not stated): ESP Exome Variant Server 0.00031; gnomAD exomes 0.00032 and 0.00139; 1000 Genomes Project 0.00040; 1000 Genomes Project 30x 0.00047; gnomAD 0.00058 and 0.00061; ExAC 0.00091; TOPMed 0.00111.

Submissions (4):

CeGaT Center for Human Genetics Tuebingen
Classification: Likely benign. Last evaluated: 2026-06-01. Review status: criteria provided, single submitter. Criteria: CeGaT Center For Human Genetics Tuebingen Variant Classification Criteria Version 2. Collection method: clinical testing. Allele origin: germline. Affected: yes. Observed: 2 variant alleles.
Comment: GDF6: BS2

Labcorp Genetics (formerly Invitae), Labcorp
Classification: Benign for Isolated microphthalmia 4; Leber congenital amaurosis 17; Klippel-Feil syndrome 1, autosomal dominant; Microphthalmia, isolated, with coloboma 6. Last evaluated: 2026-01-30. Review status: criteria provided, single submitter. Criteria: Invitae Variant Classification Sherloc (09022015). Collection method: clinical testing. Allele origin: germline.

Illumina Laboratory Services, Illumina
Classification: Likely benign for Klippel-Feil syndrome 1, autosomal dominant. Last evaluated: 2017-04-28. Review status: criteria provided, single submitter. Criteria: ICSL Variant Classification Criteria 13 December 2019. Collection method: clinical testing. Allele origin: germline.
Comment: This variant was observed as part of a predisposition screen in an ostensibly healthy population. A literature search was performed for the gene, cDNA change, and amino acid change (where applicable). Publications were found based on this search. The evidence from the literature, in combination with allele frequency data from public databases where available, was sufficient to determine this variant is unlikely to cause disease. Therefore, this variant is classified as likely benign.

Breakthrough Genomics
Classification: Likely benign. Review status: criteria provided, single submitter. Criteria: ACMG Guidelines, 2015. Collection method: not provided. Allele origin: germline. Inheritance: Autosomal recessive inheritance. Affected: yes.

Literature cited by the submitters: PubMed 19129173 (cited by Illumina Laboratory Services, Illumina); PubMed 20494911 (cited by Illumina Laboratory Services, Illumina).

NM_001001557.4(GDF6):c.356A>G (p.Gln119Arg)

Gene: GDF6 (growth differentiation factor 6; minus strand). Cytogenetic location: 8q22.1.
Variant type: single nucleotide variant.
Coding change: c.356A>G on transcript NM_001001557.4 (MANE Select); coding-DNA position 356, A replaced by G.
Protein change: p.Gln119Arg; replaces glutamine 119 with arginine.
Molecular consequence: missense variant.
Genome position (GRCh38, 1-based): chr8:96,160,337, T>C on the plus strand (A>G on the coding strand, the complement: GDF6 is on the minus strand). VCF-style: chr8-96160337-T-C. GRCh37 (hg19) VCF-style: chr8-97172565-T-C.
Other names: short protein forms Q119R.
Identifiers: ClinVar variation 364051 (VCV000364051.26), dbSNP rs140579014, ClinGen allele CA4815493.